The following is an entry in ClinVar:

ClinVar aggregate classification (germline): Uncertain significance. Review status: criteria provided, multiple submitters, no conflicts (2 of 4 stars). 2 submissions from 2 submitters: Uncertain significance (2). Last evaluated 2023-02-28.

Allele frequency attached by ClinVar (database versions not stated): TOPMed below 0.00001.
gnomAD v4.1: 4 of 1,388,192 alleles (0.00029%); highest among the groups gnomAD compares: East Asian, 0.0056%; no homozygotes.

Submissions (2):

Ambry Genetics
Classification: Uncertain significance. Last evaluated: 2023-02-28. Review status: criteria provided, single submitter. Criteria: Ambry Variant Classification Scheme 2023. Collection method: clinical testing. Allele origin: germline.

Labcorp Genetics (formerly Invitae), Labcorp
Classification: Uncertain significance. Last evaluated: 2019-11-23. Review status: criteria provided, single submitter. Criteria: Invitae Variant Classification Sherloc (09022015). Collection method: clinical testing. Allele origin: germline.
Comment: This sequence change replaces proline with serine at codon 311 of the SAMD11 protein (p.Pro311Ser). The proline residue is moderately conserved and there is a moderate physicochemical difference between proline and serine. This variant has not been reported in the literature in individuals with SAMD11-related conditions. Algorithms developed to predict the effect of missense changes on protein structure and function output the following: SIFT: "Tolerated"; PolyPhen-2: "Benign"; Align-GVGD: "Class C0". The serine amino acid residue is found in multiple mammalian species, suggesting that this missense change does not adversely affect protein function. These predictions have not been confirmed by published functional studies and their clinical significance is uncertain. This variant is not present in population databases (ExAC no frequency). In summary, the available evidence is currently insufficient to determine the role of this variant in disease. Therefore, it has been classified as a Variant of Uncertain Significance.

NM_001385641.1(SAMD11):c.1420C>T (p.Pro474Ser)

Gene: SAMD11 (sterile alpha motif domain containing 11; plus strand). Cytogenetic location: 1p36.33.
Variant type: single nucleotide variant.
Coding change: c.1420C>T on transcript NM_001385641.1 (MANE Select); coding-DNA position 1420, C replaced by T.
Protein change: p.Pro474Ser; replaces proline 474 with serine.
Molecular consequence: missense variant.
Genome position (GRCh38, 1-based): chr1:942,197, C>T. VCF-style: chr1-942197-C-T. GRCh37 (hg19) VCF-style: chr1-877577-C-T.
Other names: c.1423C>T, p.Pro475Ser (NM_001385640.1); c.931C>T, p.Pro311Ser (NM_152486.4); short protein forms P311S, P474S, P475S.
Identifiers: ClinVar variation 840316 (VCV000840316.10), dbSNP rs748970150, ClinGen allele CA337806644.